The following is an entry in ClinVar:

NM_001329943.3(KIAA0586):c.411-1357T>C

Gene: KIAA0586 (KIAA0586; plus strand). Cytogenetic location: 14q23.1.
Variant type: single nucleotide variant.
Coding change: c.411-1357T>C on transcript NM_001329943.3 (MANE Select); 1357 bases into the intron before coding-DNA position 411, T replaced by C.
Molecular consequence: intron variant.
Genome position (GRCh38, 1-based): chr14:58,441,349, T>C. VCF-style: chr14-58441349-T-C. GRCh37 (hg19) VCF-style: chr14-58908067-T-C.
Other names: c.569+6T>C (NM_001244189.2); c.366-1357T>C (NM_001244190.2); c.278+6T>C (NM_001244192.2); c.156-1357T>C (NM_001244191.2, NM_001364701.2, NM_001329945.2 and 1 more transcripts); c.411-1357T>C (NM_001329944.2, NM_001329946.2, NM_001329947.2 and 1 more transcripts); c.-10-1357T>C (NM_001244193.2).
Identifiers: ClinVar variation 3031663 (VCV003031663.2), dbSNP rs2542747853, ClinGen allele CA2625059801.

ClinVar aggregate classification (germline): Likely benign (0 of 4 stars; one submission).

Conditions:
KIAA0586-related disorder. Also called: KIAA0586-related condition; KIAA0586- Related disorders.

Submission:

PreventionGenetics, part of Exact Sciences
Classification: Likely benign for KIAA0586-related condition. Last evaluated: 2020-08-25. Review status: no assertion criteria provided. Collection method: clinical testing. Allele origin: germline.
Comment: This variant is classified as likely benign based on ACMG/AMP sequence variant interpretation guidelines (Richards et al. 2015 PMID: 25741868, with internal and published modifications).